The following is an entry in ClinVar:

NM_000038.6(APC):c.5479C>G (p.Leu1827Val)

Gene: APC (APC regulator of Wnt signaling pathway; plus strand). Cytogenetic location: 5q22.2.
Variant type: single nucleotide variant.
Coding change: c.5479C>G on transcript NM_000038.6 (MANE Select); coding-DNA position 5479, C replaced by G.
Protein change: p.Leu1827Val; replaces leucine 1827 with valine.
Molecular consequence: missense variant.
Genome position (GRCh38, 1-based): chr5:112,841,073, C>G. VCF-style: chr5-112841073-C-G. GRCh37 (hg19) VCF-style: chr5-112176770-C-G.
Other names: c.5479C>G, p.Leu1827Val (NM_001127510.3, NM_001354895.2); c.5425C>G, p.Leu1809Val (NM_001127511.3); c.5533C>G, p.Leu1845Val (NM_001354896.2); c.5509C>G, p.Leu1837Val (NM_001354897.2); c.5404C>G, p.Leu1802Val (NM_001354898.2); c.5395C>G, p.Leu1799Val (NM_001354899.2); c.5356C>G, p.Leu1786Val (NM_001354900.2); c.5302C>G, p.Leu1768Val (NM_001354901.2); and 5 more; short protein forms L1809V, L1827V, L1667V, L1768V, L1799V, L1837V, L1701V, L1544V.
Identifiers: ClinVar variation 537439 (VCV000537439.10), dbSNP rs876660007, ClinGen allele CA16033321.

ClinVar aggregate classification (germline): Uncertain significance (1 of 4 stars; one submission).

Conditions:
Familial adenomatous polyposis 1 (FAP1). Also called: FAMILIAL ADENOMATOUS POLYPOSIS 1, ATTENUATED; POLYPOSIS, ADENOMATOUS INTESTINAL. Identifiers: MedGen C2713442, MONDO:0021056, OMIM 175100. Disease mechanism: loss of function.

Submission:

Labcorp Genetics (formerly Invitae), Labcorp
Classification: Uncertain significance for Familial adenomatous polyposis 1. Last evaluated: 2017-10-14. Review status: criteria provided, single submitter. Criteria: Invitae Variant Classification Sherloc (09022015). Collection method: clinical testing. Allele origin: germline.
Comment: This variant has not been reported in the literature in individuals with APC-related disease. This variant is not present in population databases (ExAC no frequency). This sequence change replaces leucine with valine at codon 1827 of the APC protein (p.Leu1827Val). The leucine residue is moderately conserved and there is a small physicochemical difference between leucine and valine. Algorithms developed to predict the effect of missense changes on protein structure and function output the following: SIFT: "Tolerated"; PolyPhen-2: "Benign"; Align-GVGD: "Class C0". The valine amino acid residue is found in multiple mammalian species, suggesting that this missense change does not adversely affect protein function. These predictions have not been confirmed by published functional studies and their clinical significance is uncertain. In summary, the available evidence is currently insufficient to determine the role of this variant in disease. Therefore, it has been classified as a Variant of Uncertain Significance.